The following is an entry in ClinVar:

ClinVar aggregate classification (germline): Pathogenic. Review status: criteria provided, multiple submitters, no conflicts (2 of 4 stars). 5 submissions from 5 submitters: Pathogenic (4). 1 of the submissions does not count toward it. Last evaluated 2026-08-06.

Conditions:
Alzheimer disease 3 (AD3). Also called: ALZHEIMER DISEASE, FAMILIAL, 3. Identifiers: Orphanet 1020, MedGen C1843013, MONDO:0011913, OMIM 607822.
Pick disease. Also called: PICK DISEASE OF BRAIN; Pick's disease; DEMENTIA WITH LOBAR ATROPHY AND NEURONAL CYTOPLASMIC INCLUSIONS; LOBAR ATROPHY OF BRAIN; Pick Disease of the Brain. Identifiers: Orphanet 282, MedGen C0236642, MONDO:0008243, OMIM 172700.
Frontotemporal dementia (FTD1). Also called: WILHELMSEN-LYNCH DISEASE; Frontotemporal Dementia with Parkinsonism-17 (FTDP-17); FRONTOTEMPORAL DEMENTIA WITH PARKINSONISM; FRONTOTEMPORAL LOBE DEMENTIA; MULTIPLE SYSTEM TAUOPATHY WITH PRESENILE DEMENTIA; FRONTOTEMPORAL LOBAR DEGENERATION WITH TAU INCLUSIONS. Identifiers: Orphanet 282, MedGen C0338451, MONDO:0017276, OMIM 600274, HP:0002145.
Acne inversa, familial, 3 (ACNINV3). Identifiers: MedGen C3151038, MONDO:0013398, OMIM 613737.

Submissions (5):

OLLIN Analises Genomicas, OLLIN
Classification: Pathogenic for Pick disease. Last evaluated: 2026-08-06. Review status: criteria provided, single submitter. Criteria: ACMG Guidelines 2015 PMID 25741868. Collection method: clinical testing. Allele origin: germline. Inheritance: Autosomal dominant inheritance.
Comment: This missense variant, located in exon 5 (of 12), is absent from gnomAD but has been reported in ClinVar (accession VCV000098026.12) and in the scientific literature, segregating with the phenotype, in individuals with PSEN1 related disorders (PMID: 11157069, 22508690, 8634711, 17968601, 20628413, 24773620, 28350801, 30090657, 30528841, 11568920). Functional studies suggest that this variant may affect protein function, and in silico analysis predicts a deleterious effect (PMID: 11157069, 22508690). Another pathogenic variant affecting the same amino acid residue has been reported. According to the currently available evidence, this variant has been classified as pathogenic (PS3_P, PS4, PM2_P, PM5, PP1, PP3_S).

Labcorp Genetics (formerly Invitae), Labcorp
Classification: Pathogenic for Alzheimer disease 3; Pick disease; Acne inversa, familial, 3; Frontotemporal dementia. Last evaluated: 2023-09-13. Review status: criteria provided, single submitter. Criteria: Invitae Variant Classification Sherloc (09022015). Collection method: clinical testing. Allele origin: germline.
Comment: For these reasons, this variant has been classified as Pathogenic. Experimental studies have shown that this missense change affects PSEN1 function (PMID: 19276550, 19276551, 22508690, 27930341). Advanced modeling of protein sequence and biophysical properties (such as structural, functional, and spatial information, amino acid conservation, physicochemical variation, residue mobility, and thermodynamic stability) performed at Invitae indicates that this missense variant is expected to disrupt PSEN1 protein function. ClinVar contains an entry for this variant (Variation ID: 98026). This missense change has been observed in individuals with early-onset Alzheimer's disease (PMID: 8634711, 17968601, 20628413, 24773620, 28350801, 30090657, 30528841). It has also been observed to segregate with disease in related individuals. This variant is not present in population databases (gnomAD no frequency). This sequence change replaces isoleucine, which is neutral and non-polar, with threonine, which is neutral and polar, at codon 143 of the PSEN1 protein (p.Ile143Thr).

Molecular Genetics, Royal Melbourne Hospital
Classification: Pathogenic for Alzheimer disease 3. Last evaluated: 2022-08-04. Review status: criteria provided, single submitter. Criteria: ACMG Guidelines, 2015. Collection method: clinical testing. Allele origin: germline. Affected: yes.
Comment: This sequence change in PSEN1 is predicted to replace isoleucine with threonine at codon 143, p.(Ile143Thr). The isoleucine residue is highly conserved (100 vertebrates, UCSC), and is located in Transmembrane-II domain. There is a moderate physicochemical difference between isoleucine and threonine. This variant is absent from gnomAD v2.1 and v3.1. This variant has been reported in various probands/families internationally with early-onset Alzheimer's disease (EOAD) and segregates with disease in multiple families (PMID: 8634711, 11568920, 17968601, 20628413, 30090657). The variant deregulates neurite growth in functional assays and significantly reduces brain glucosylceramide and gangliosides in a knock-in mouse model, similarly to human EOAD patients (PMID: 11157069, 22508690). Multiple lines of computational evidence predict a deleterious effect for the missense substitution (5/5 algorithms). Based on the classification scheme RMH Modified ACMG Guidelines v1.5.1, this variant is classified as PATHOGENIC. Following criteria are met: PP1_Strong, PS3_Moderate, PS4_Moderate, PM2_Supporting, PP3.

Athena Diagnostics
Classification: Pathogenic. Last evaluated: 2016-02-01. Review status: criteria provided, single submitter. Criteria: Athena Diagnostics Criteria. Collection method: clinical testing. Allele origin: germline.

VIB  Department of Molecular Genetics, University of Antwerp
No classification provided. Review status: no classification provided. Collection method: not provided. Allele origin: unknown. Not counted in ClinVar's aggregate classification.

Literature cited by the submitters: PubMed 11157069 (cited by OLLIN Analises Genomicas, OLLIN and Molecular Genetics, Royal Melbourne Hospital); PubMed 22508690 (cited by 4 submitters); PubMed 8634711 (cited by 4 submitters); PubMed 17968601 (cited by 4 submitters); PubMed 20628413 (cited by 4 submitters); PubMed 24773620 (cited by OLLIN Analises Genomicas, OLLIN and Labcorp Genetics (formerly Invitae), Labcorp); PubMed 28350801 (cited by OLLIN Analises Genomicas, OLLIN and Labcorp Genetics (formerly Invitae), Labcorp); PubMed 30090657 (cited by 3 submitters); PubMed 30528841 (cited by OLLIN Analises Genomicas, OLLIN and Labcorp Genetics (formerly Invitae), Labcorp); PubMed 11568920 (cited by 3 submitters); PubMed 19276550 (cited by Labcorp Genetics (formerly Invitae), Labcorp and Athena Diagnostics); PubMed 19276551 (cited by Labcorp Genetics (formerly Invitae), Labcorp and Athena Diagnostics); PubMed 27930341 (cited by Labcorp Genetics (formerly Invitae), Labcorp); PubMed 10327206 (cited by Athena Diagnostics); PubMed 16752394 (cited by Athena Diagnostics); PubMed 10448055 (cited by Athena Diagnostics); PubMed 11524469 (cited by Athena Diagnostics); PubMed 16033913 (cited by Athena Diagnostics); PubMed 23409063 (cited by Athena Diagnostics); PubMed 10430510 (cited by Athena Diagnostics); PubMed 19457079 (cited by Athena Diagnostics); PubMed 25182737 (cited by Athena Diagnostics); PubMed 21725313 (cited by Athena Diagnostics); PubMed 10548420 (cited by Athena Diagnostics); PubMed 12805290 (cited by Athena Diagnostics); PubMed 1985297 (cited by Athena Diagnostics); PubMed 7581374 (cited by Athena Diagnostics).

NM_000021.4(PSEN1):c.428T>C (p.Ile143Thr)

Gene: PSEN1 (presenilin 1; plus strand). Cytogenetic location: 14q24.2.
Variant type: single nucleotide variant.
Coding change: c.428T>C on transcript NM_000021.4 (MANE Select); coding-DNA position 428, T replaced by C.
Protein change: p.Ile143Thr; replaces isoleucine 143 with threonine.
Molecular consequence: missense variant.
Genome position (GRCh38, 1-based): chr14:73,173,655, T>C. VCF-style: chr14-73173655-T-C. GRCh37 (hg19) VCF-style: chr14-73640363-T-C.
Other names: c.416T>C, p.Ile139Thr (NM_007318.3); short protein forms I143T, I139T.
Identifiers: ClinVar variation 98026 (VCV000098026.13), dbSNP rs63750004, ClinGen allele CA225019.
Genomic context (GRCh38, chr14:73,173,655, plus strand): 5'-AGACTGTGGGCCAGAGAGCCCTGCACTCAATTCTGAATGCTGCCATCATGATCAGTGTCA[T>C]TGTTGTCATGACTATCCTCCTGGTGGTTCTGTATAAATACAGGTGCTATAAGGTGAGCAT-3'
Protein context (NP_000012.1, residues 133-153): ILNAAIMISV[Ile143Thr]VVMTILLVVL